The following is an entry in ClinVar:

ClinVar aggregate classification (germline): Conflicting classifications of pathogenicity. Review status: criteria provided, conflicting classifications (1 of 4 stars). 11 submissions from 11 submitters: Uncertain significance (9); Likely benign (1). 1 of the submissions does not count toward it. Last evaluated 2026-03-06.

Conditions:
Familial ovarian cancer. Identifiers: MedGen C5679802, MONDO:0016248.
BRIP1-related disorder. Also called: BRIP1-related condition; BRIP1-related disorders. Identifiers: MedGen CN239206.
Hereditary cancer-predisposing syndrome. Also called: Neoplastic Syndromes, Hereditary; Tumor predisposition; Hereditary Cancer Syndrome; Hereditary neoplastic syndrome. Identifiers: Orphanet 140162, MedGen C0027672, MeSH D009386, MONDO:0015356.
Familial cancer of breast. Also called: hereditary breast carcinoma; BREAST CANCER, FAMILIAL; Hereditary breast cancer. Identifiers: Orphanet 227535, MedGen C0346153, MONDO:0016419, OMIM 114480. Disease mechanism: loss of function.
Fanconi anemia complementation group J. Also called: BRIP1-Related Fanconi Anemia. Identifiers: Orphanet 84, MedGen C1836860, MONDO:0012187, OMIM 609054.

Allele frequency attached by ClinVar (database versions not stated): gnomAD 0.00001; gnomAD exomes 0.00001; ExAC 0.00002; TOPMed 0.00002.
gnomAD v4.1: 13 of 1,613,952 alleles (0.00081%); highest among the groups gnomAD compares: East Asian, 0.025%; no homozygotes.

Submissions (11):

PreventionGenetics, part of Exact Sciences
Classification: Uncertain significance for BRIP1-related condition. Last evaluated: 2026-03-06. Review status: criteria provided, single submitter. Criteria: ACMG Guidelines, 2015. Collection method: clinical testing. Allele origin: germline.
Comment: The BRIP1 c.1018C>T variant is predicted to result in the amino acid substitution p.Leu340Phe. This variant has been reported as a variant of uncertain significance in individuals with multiple different cancer types including esophageal, breast, pancreatic, and prostate (Deng et al. 2019. PubMed ID: 30833958; Kim et al. 2016. PubMed ID: 26790966; Yin et al. 2022. PubMed ID: 35171259; Momozawa et al. 2020. PubMed ID: 31214711). This variant is reported in 0.016% of alleles in individuals of East Asian descent in gnomAD. It has conflicting classifications of uncertain and likely benign in ClinVar (Variation ID: 407835). At this time, the clinical significance of this variant is uncertain due to the absence of conclusive functional and genetic evidence.

Labcorp Genetics (formerly Invitae), Labcorp
Classification: Uncertain significance for Familial cancer of breast; Fanconi anemia complementation group J. Last evaluated: 2026-02-03. Review status: criteria provided, single submitter. Criteria: Invitae Variant Classification Sherloc (09022015). Collection method: clinical testing. Allele origin: germline.
Comment: This sequence change replaces leucine, which is neutral and non-polar, with phenylalanine, which is neutral and non-polar, at codon 340 of the BRIP1 protein (p.Leu340Phe). This variant is present in population databases (rs755796609, gnomAD 0.02%). This missense change has been observed in individual(s) with biliary tract cancer, breast cancer, esophageal cancer, pancreatic cancer, and/or prostate cancer (PMID: 26790966, 30833958, 31214711, 32068069, 32255556). ClinVar contains an entry for this variant (Variation ID: 407835). An algorithm developed to predict the effect of missense changes on protein structure and function outputs the following: PolyPhen-2: "Benign". The phenylalanine amino acid residue is found in multiple mammalian species, which suggests that this missense change does not adversely affect protein function. In summary, the available evidence is currently insufficient to determine the role of this variant in disease. Therefore, it has been classified as a Variant of Uncertain Significance.

Women's Health and Genetics/Laboratory Corporation of America, LabCorp
Classification: Uncertain significance. Last evaluated: 2025-04-01. Review status: criteria provided, single submitter. Criteria: LabCorp Variant Classification Summary - May 2015. Collection method: clinical testing. Allele origin: germline.
Comment: Variant summary: BRIP1 c.1018C>T (p.Leu340Phe) results in a non-conservative amino acid change located in the Helicase-like, DEXD box c2 type (IPR006554) of the encoded protein sequence. Five of five in-silico tools predict a damaging effect of the variant on protein function. The variant allele was found at a frequency of 8.1e-06 in 1613952 control chromosomes, predominantly at a frequency of 0.00025 within the East Asian subpopulation in the gnomAD database. Although, the observed variant frequency within East Asian control individuals in the gnomAD database is approximately 4 fold of the estimated maximal expected allele frequency for a pathogenic variant in BRIP1 causing breast cancer phenotype (6.3e-05), this frequency is not significantly higher than estimated for a pathogenic variant in BRIP1 causing autosomal recessive Fanconi anemia complementation group J (8.1e-06 vs 0.0004), allowing no conclusion about variant significance. c.1018C>T has been reported in the literature in individuals affected with different types of cancers including breast cancer, esophageal squamous cell carcinoma, epithelial ovarian cancer, pancreatic ductal adenocarcinoma, biliary tract cancer, and lung cancer (Kim_2016, Kwong_2020, Deng_2019, Yao_2022, Cremin_2020, Okawa_2023, Yi_2024). These reports do not provide unequivocal conclusions about association of the variant with breast cancer or Fanconi Anemia Complementation Group J. At least one publication reports experimental evidence evaluating an impact on protein function. The most pronounced variant effect results in >50%-90% of normal activity in in vitro assays but retains the ability to restore wild type-level protein activity in cell-based assays (Odermatt_2020). The following publications have been ascertained in the context of this evaluation (PMID: 32255556, 30833958, 27107905, 26790966, 32068069, 32542039, 36243179, 26709662, 35186721, 37885353). ClinVar contains an entry for this variant (Variation ID: 407835). Based on the evidence outlined above, the variant was classified as uncertain significance.

Blueprint Genetics
Classification: Uncertain significance. Last evaluated: 2024-09-04. Review status: criteria provided, single submitter. Criteria: ACMG Guidelines, 2015. Collection method: clinical testing. Allele origin: germline.

Color Diagnostics, LLC DBA Color Health
Classification: Uncertain significance for Hereditary cancer-predisposing syndrome. Last evaluated: 2024-06-24. Review status: criteria provided, single submitter. Criteria: ACMG Guidelines, 2015. Collection method: clinical testing. Allele origin: germline.
Comment: This missense variant replaces leucine with phenylalanine at codon 340 of the BRIP1 protein. Computational prediction is inconclusive regarding the impact of this variant on protein structure and function. To our knowledge, functional studies have not been reported for this variant. This variant has been reported in individuals affected with breast cancer (PMID: 26790966; DOI: 10.1016/j.gimo.2023.100579) and in an individual affected with esophageal squamous cell carcinoma (PMID: 30833958). In a large breast cancer case-control meta-analysis, this variant has been observed in 4/60466 cases and 7/53461 unaffected controls (PMID: 33471991). In a pancreatic cancer case-control study, this variant was absent in 1005 cases and observed in 14/23705 controls (PMID: 32980694). In a prostate cancer case-control study, this variant was observed in 4/7636 cases and 9/12366 controls (PMID: 31214711). This variant has also been identified in 3/251306 chromosomes in the general population by the Genome Aggregation Database (gnomAD). The available evidence is insufficient to determine the role of this variant in disease conclusively. Therefore, this variant is classified as a Variant of Uncertain Significance.

Molecular Pathology, Peter Maccallum Cancer Centre
Classification: Uncertain significance for Familial ovarian cancer. Last evaluated: 2024-06-17. Review status: criteria provided, single submitter. Criteria: ACMG Guidelines, 2015. Collection method: clinical testing. Allele origin: germline. Inheritance: Autosomal dominant inheritance.

Baylor Genetics
Classification: Uncertain significance for Familial cancer of breast. Last evaluated: 2024-02-28. Review status: criteria provided, single submitter. Criteria: ACMG Guidelines, 2015. Collection method: clinical testing. Allele origin: unknown.

GeneDx
Classification: Uncertain significance. Last evaluated: 2023-12-28. Review status: criteria provided, single submitter. Criteria: GeneDx Variant Classification Process June 2021. Collection method: clinical testing. Allele origin: germline. Affected: yes.
Comment: Observed in individuals with breast, pancreatic, prostate, and other cancers, as well as in unaffected controls (PMID: 26790966, 28873162, 30833958, 31214711, 32255556, 32068069); Published functional in vitro studies demonstrate ability to rescue BRIP1 knockout cellular phenotypes similar to wild type with a moderate defect (PMID: 32542039); Not observed at significant frequency in large population cohorts (gnomAD); In silico analysis supports that this missense variant has a deleterious effect on protein structure/function; This variant is associated with the following publications: (PMID: 26790966, 27150160, 24336570, 26709662, 28873162, 30833958, 31214711, 27107905, Padeganeh2023[Poster], 35186721, 32255556, 32068069, 32542039, 35171259, 36243179, 37885353)

Ambry Genetics
Classification: Likely benign for Hereditary cancer-predisposing syndrome. Last evaluated: 2022-09-01. Review status: criteria provided, single submitter. Criteria: Ambry Variant Classification Scheme 2023. Collection method: clinical testing. Allele origin: germline.

Illumina Laboratory Services, Illumina
Classification: Uncertain significance for Fanconi anemia complementation group J. Last evaluated: 2017-11-14. Review status: criteria provided, single submitter. Criteria: ICSL Variant Classification Criteria 13 December 2019. Collection method: clinical testing. Allele origin: germline.

Leiden Open Variation Database
Classification: Benign. Last evaluated: 2019-08-13. Review status: no assertion criteria provided. Collection method: curation. Allele origin: germline. Affected: yes. Not counted in ClinVar's aggregate classification.
Comment: Curator: Arleen D. Auerbach. Submitter to LOVD: Yukihide Momozawa.

Literature cited by the submitters: PubMed 26790966 (cited by 4 submitters); PubMed 30833958 (cited by 4 submitters); PubMed 31214711 (cited by 4 submitters); PubMed 32068069 (cited by Labcorp Genetics (formerly Invitae), Labcorp and Women's Health and Genetics/Laboratory Corporation of America, LabCorp); PubMed 32255556 (cited by Labcorp Genetics (formerly Invitae), Labcorp and Women's Health and Genetics/Laboratory Corporation of America, LabCorp); PubMed 26709662 (cited by Women's Health and Genetics/Laboratory Corporation of America, LabCorp); PubMed 27107905 (cited by Women's Health and Genetics/Laboratory Corporation of America, LabCorp); PubMed 32542039 (cited by Women's Health and Genetics/Laboratory Corporation of America, LabCorp and Ambry Genetics); PubMed 35186721 (cited by Women's Health and Genetics/Laboratory Corporation of America, LabCorp); PubMed 36243179 (cited by Women's Health and Genetics/Laboratory Corporation of America, LabCorp); PubMed 37885353 (cited by Women's Health and Genetics/Laboratory Corporation of America, LabCorp); PubMed 32980694 (cited by Color Diagnostics, LLC DBA Color Health); PubMed 33471991 (cited by Color Diagnostics, LLC DBA Color Health).

NM_032043.3(BRIP1):c.1018C>T (p.Leu340Phe)

Gene: BRIP1 (BRCA1 interacting DNA helicase 1; minus strand). Cytogenetic location: 17q23.2.
Variant type: single nucleotide variant.
Coding change: c.1018C>T on transcript NM_032043.3 (MANE Select); coding-DNA position 1018, C replaced by T.
Protein change: p.Leu340Phe; replaces leucine 340 with phenylalanine.
Molecular consequence: missense variant.
Genome position (GRCh38, 1-based): chr17:61,801,375, G>A on the plus strand (C>T on the coding strand, the complement: BRIP1 is on the minus strand). VCF-style: chr17-61801375-G-A. GRCh37 (hg19) VCF-style: chr17-59878736-G-A.
Other names: short protein forms L340F.
Identifiers: ClinVar variation 407835 (VCV000407835.40), dbSNP rs755796609, ClinGen allele CA8690816.